The following is an entry in ClinVar:

ClinVar aggregate classification (germline): Uncertain significance (1 of 4 stars; one submission).

Submission:

Labcorp Genetics (formerly Invitae), Labcorp
Classification: Uncertain significance. Last evaluated: 2023-01-26. Review status: criteria provided, single submitter. Criteria: Invitae Variant Classification Sherloc (09022015). Collection method: clinical testing. Allele origin: germline.
Comment: Advanced modeling of protein sequence and biophysical properties (such as structural, functional, and spatial information, amino acid conservation, physicochemical variation, residue mobility, and thermodynamic stability) performed at Invitae indicates that this missense variant is not expected to disrupt DNAH9 protein function. In summary, the available evidence is currently insufficient to determine the role of this variant in disease. Therefore, it has been classified as a Variant of Uncertain Significance. This variant has not been reported in the literature in individuals affected with DNAH9-related conditions. This variant is not present in population databases (gnomAD no frequency). This sequence change replaces aspartic acid, which is acidic and polar, with glutamic acid, which is acidic and polar, at codon 4441 of the DNAH9 protein (p.Asp4441Glu).

NM_001372.4(DNAH9):c.13323C>G (p.Asp4441Glu)

Gene: DNAH9 (dynein axonemal heavy chain 9; plus strand). Cytogenetic location: 17p12.
Variant type: single nucleotide variant.
Coding change: c.13323C>G on transcript NM_001372.4 (MANE Select); coding-DNA position 13323, C replaced by G.
Protein change: p.Asp4441Glu; replaces aspartic acid 4441 with glutamic acid.
Molecular consequence: missense variant.
Genome position (GRCh38, 1-based): chr17:11,969,389, C>G. VCF-style: chr17-11969389-C-G. GRCh37 (hg19) VCF-style: chr17-11872706-C-G.
Other names: c.2259C>G, p.Asp753Glu (NM_004662.2); short protein forms D753E, D4441E.
Identifiers: ClinVar variation 2977038 (VCV002977038.3), dbSNP rs2544962210, ClinGen allele CA398203083.